The following is an entry in ClinVar:

ClinVar aggregate classification (germline): Uncertain significance. Review status: criteria provided, single submitter (1 of 4 stars). 2 submissions from 2 submitters: Uncertain significance (1). 1 of the submissions does not count toward it. Last evaluated 2021-08-30.

Conditions:
Usher syndrome type 2A. Also called: RETINAL DISEASE IN USHER SYNDROME TYPE IIA, MODIFIER OF; USHER SYNDROME, TYPE IIA. Identifiers: Orphanet 231178, Orphanet 886, MedGen C1848634, MONDO:0010169, OMIM 276901.

Allele frequency attached by ClinVar (database versions not stated): gnomAD exomes below 0.00001; gnomAD 0.00001; TOPMed 0.00001.
gnomAD v4.1: 8 of 1,614,046 alleles (0.0005%); highest among the groups gnomAD compares: South Asian, 0.0044%; no homozygotes.

Submissions (2):

Labcorp Genetics (formerly Invitae), Labcorp
Classification: Uncertain significance. Last evaluated: 2021-08-30. Review status: criteria provided, single submitter. Criteria: Invitae Variant Classification Sherloc (09022015). Collection method: clinical testing. Allele origin: germline.
Comment: This sequence change replaces glutamine with arginine at codon 3292 of the USH2A protein (p.Gln3292Arg). The glutamine residue is highly conserved and there is a small physicochemical difference between glutamine and arginine. This variant is not present in population databases (ExAC no frequency). This variant has not been reported in the literature in individuals affected with USH2A-related conditions. Algorithms developed to predict the effect of missense changes on protein structure and function output the following: SIFT: "Tolerated"; PolyPhen-2: "Benign"; Align-GVGD: "Class C0". The arginine amino acid residue is found in multiple mammalian species, which suggests that this missense change does not adversely affect protein function. In summary, the available evidence is currently insufficient to determine the role of this variant in disease. Therefore, it has been classified as a Variant of Uncertain Significance.

Natera, Inc.
Classification: Uncertain significance for Usher syndrome type 2A. Last evaluated: 2021-03-02. Review status: no assertion criteria provided. Collection method: clinical testing. Allele origin: germline. Not counted in ClinVar's aggregate classification.

NM_206933.4(USH2A):c.9875A>G (p.Gln3292Arg)

Gene: USH2A (usherin; minus strand). Cytogenetic location: 1q41.
Variant type: single nucleotide variant.
Coding change: c.9875A>G on transcript NM_206933.4 (MANE Select); coding-DNA position 9875, A replaced by G.
Protein change: p.Gln3292Arg; replaces glutamine 3292 with arginine.
Molecular consequence: missense variant.
Genome position (GRCh38, 1-based): chr1:215,798,990, T>C on the plus strand (A>G on the coding strand, the complement: USH2A is on the minus strand). VCF-style: chr1-215798990-T-C. GRCh37 (hg19) VCF-style: chr1-215972332-T-C.
Other names: short protein forms Q3292R.
Identifiers: ClinVar variation 842857 (VCV000842857.4), dbSNP rs1243226250, ClinGen allele CA344848982.
Genomic context (GRCh38, chr1:215,798,990, plus strand): 5'-CCTTCTTCTCCACCACAACACTCTAAATCGTTGCTCACAATCTGTCTGCCACAGCACTTC[T>C]GGCCATGGCCATCATGAAGCCTCCCAGCACAGCAAATCTGGTTTCCTGAGGTGGAGTACG-3'
Protein context (NP_996816.3, residues 3282-3302): CAGRLHDGHG[Gln3292Arg]KCCGRQIVSN